The following is an entry in ClinVar:

ClinVar aggregate classification (germline): Uncertain significance. Review status: criteria provided, multiple submitters, no conflicts (2 of 4 stars). 2 submissions from 2 submitters: Uncertain significance (2). Last evaluated 2023-06-30.

Allele frequency attached by ClinVar (database versions not stated): gnomAD exomes below 0.00001; ExAC 0.00002; gnomAD 0.00001; TOPMed 0.00001.
gnomAD v4.1: 6 of 1,611,310 alleles (0.00037%); highest among the groups gnomAD compares: African/African-American, 0.004%; no homozygotes.

Submissions (2):

GeneDx
Classification: Uncertain significance. Last evaluated: 2023-06-30. Review status: criteria provided, single submitter. Criteria: GeneDx Variant Classification Process June 2021. Collection method: clinical testing. Allele origin: germline. Affected: yes.
Comment: Not observed at significant frequency in large population cohorts (gnomAD); Missense variant in a gene in which most reported pathogenic variants are truncating/loss of function; Has not been previously published as pathogenic or benign to our knowledge; Located in a region of TTN within the I-band in which the majority of loss of function variants are significantly associated with autosomal dominant titinopathies (Deo et al., 2016; Schafer et al., 2017)

Revvity Omics, Revvity
Classification: Uncertain significance. Last evaluated: 2021-05-20. Review status: criteria provided, single submitter. Criteria: ACMG Guidelines, 2015. Collection method: clinical testing. Allele origin: germline.

NM_001267550.2(TTN):c.16879T>C (p.Cys5627Arg)

Genes: TTN (titin; minus strand), LOC126806431 (CDK7 strongly-dependent group 2 enhancer GRCh37_chr2:179595719-179596918; plus strand). Cytogenetic location: 2q31.2.
Variant type: single nucleotide variant.
Coding change: c.16879T>C on transcript NM_001267550.2 (MANE Select); coding-DNA position 16879, T replaced by C.
Protein change: p.Cys5627Arg; replaces cysteine 5627 with arginine.
Molecular consequence: missense variant. On other transcripts: intron variant (3).
Genome position (GRCh38, 1-based): chr2:178,732,090, A>G on the plus strand (T>C on the coding strand, the complement: TTN is on the minus strand). VCF-style: chr2-178732090-A-G. GRCh37 (hg19) VCF-style: chr2-179596817-A-G.
Other names: c.15928T>C, p.Cys5310Arg (NM_001256850.1); c.13147T>C, p.Cys4383Arg (NM_133378.4); c.13282+5992T>C (NM_003319.4); c.13858+5992T>C (NM_133437.4); c.13657+5992T>C (NM_133432.3); short protein forms C4383R, C5310R, C5627R.
Identifiers: ClinVar variation 2437528 (VCV002437528.4), dbSNP rs779925659, ClinGen allele CA2001965.